The following is an entry in ClinVar:

ClinVar aggregate classification (germline): Uncertain significance (1 of 4 stars; one submission).

Allele frequency attached by ClinVar (database versions not stated): gnomAD exomes 0.00001.
gnomAD v4.1: 21 of 1,613,936 alleles (0.0013%); highest among the groups gnomAD compares: Non-Finnish European, 0.0018%; no homozygotes.

Submission:

Labcorp Genetics (formerly Invitae), Labcorp
Classification: Uncertain significance. Last evaluated: 2025-09-17. Review status: criteria provided, single submitter. Criteria: Invitae Variant Classification Sherloc (09022015). Collection method: clinical testing. Allele origin: germline.
Comment: This sequence change replaces arginine, which is basic and polar, with glycine, which is neutral and non-polar, at codon 386 of the ANKZF1 protein (p.Arg386Gly). This variant is present in population databases (no rsID available, gnomAD 0.002%). This variant has not been reported in the literature in individuals affected with ANKZF1-related conditions. ClinVar contains an entry for this variant (Variation ID: 2154139). An algorithm developed to predict the effect of missense changes on protein structure and function outputs the following: PolyPhen-2: "Benign". The glycine amino acid residue is found in multiple mammalian species, which suggests that this missense change does not adversely affect protein function. In summary, the available evidence is currently insufficient to determine the role of this variant in disease. Therefore, it has been classified as a Variant of Uncertain Significance.

NM_018089.3(ANKZF1):c.1156A>G (p.Arg386Gly)

Gene: ANKZF1 (ankyrin repeat and zinc finger peptidyl tRNA hydrolase 1; plus strand). Cytogenetic location: 2q35.
Variant type: single nucleotide variant.
Coding change: c.1156A>G on transcript NM_018089.3 (MANE Select); coding-DNA position 1156, A replaced by G.
Protein change: p.Arg386Gly; replaces arginine 386 with glycine.
Molecular consequence: missense variant.
Genome position (GRCh38, 1-based): chr2:219,234,240, A>G. VCF-style: chr2-219234240-A-G. GRCh37 (hg19) VCF-style: chr2-220098962-A-G.
Other names: c.1156A>G, p.Arg386Gly (NM_001042410.2); c.526A>G, p.Arg176Gly (NM_001282792.2); short protein forms R176G, R386G.
Identifiers: ClinVar variation 2154139 (VCV002154139.4), dbSNP rs756514072, ClinGen allele CA350679161.